The following is an entry in ClinVar:

NM_004638.4(PRRC2A):c.5298C>T (p.Asp1766=)

Gene: PRRC2A (proline rich coiled-coil 2A; plus strand). Cytogenetic location: 6p21.33.
Variant type: single nucleotide variant.
Coding change: c.5298C>T on transcript NM_004638.4 (MANE Select); coding-DNA position 5298, C replaced by T.
Protein change: p.Asp1766=; no amino-acid change (aspartic acid 1766 retained).
Molecular consequence: synonymous variant.
Genome position (GRCh38, 1-based): chr6:31,635,269, C>T. VCF-style: chr6-31635269-C-T. GRCh37 (hg19) VCF-style: chr6-31603046-C-T.
Other names: c.5298C>T (NM_080686.2); c.5298C>T, p.Asp1766= (NM_080686.3).
Identifiers: ClinVar variation 2656407 (VCV002656407.25), dbSNP rs139053368, ClinGen allele CA3716464.

ClinVar aggregate classification (germline): Likely benign. Review status: criteria provided, single submitter (1 of 4 stars). 2 submissions from 2 submitters: Likely benign (1). 1 of the submissions does not count toward it. Last evaluated 2022-04-01.

Conditions:
PRRC2A-related disorder. Also called: PRRC2A-related condition.

Allele frequency attached by ClinVar (database versions not stated): TOPMed 0.00021; gnomAD 0.00027; ESP Exome Variant Server 0.00038; 1000 Genomes Project 0.00040; ExAC 0.00042; 1000 Genomes Project 30x 0.00047.
gnomAD v4.1: 494 of 1,614,046 alleles (0.031%); highest among the groups gnomAD compares: Middle Eastern, 0.46%; 2 homozygotes.

Submissions (2):

CeGaT Center for Human Genetics Tuebingen
Classification: Likely benign. Last evaluated: 2022-04-01. Review status: criteria provided, single submitter. Criteria: CeGaT Center For Human Genetics Tuebingen Variant Classification Criteria Version 2. Collection method: clinical testing. Allele origin: germline. Affected: yes. Observed: 1 variant allele.
Comment: PRRC2A: BP4, BP7

PreventionGenetics, part of Exact Sciences
Classification: Likely benign for PRRC2A-related condition. Last evaluated: 2019-06-05. Review status: no assertion criteria provided. Collection method: clinical testing. Allele origin: germline. Not counted in ClinVar's aggregate classification.
Comment: This variant is classified as likely benign based on ACMG/AMP sequence variant interpretation guidelines (Richards et al. 2015 PMID: 25741868, with internal and published modifications).